The following is an entry in ClinVar:

ClinVar aggregate classification (germline): Likely benign (1 of 4 stars; one submission).

Conditions:
Menke-Hennekam syndrome 1 (MKHK1). Identifiers: MedGen C5193034, MONDO:0020763, OMIM 618332.
Rubinstein-Taybi syndrome due to CREBBP mutations (RSTS1). Also called: RUBINSTEIN SYNDROME; Rubinstein-Taybi syndrome 1; CREBBP-Related Rubinstein-Taybi Syndrome; BROAD THUMBS AND GREAT TOES, CHARACTERISTIC FACIES, AND IMPAIRED INTELLECTUAL DEVELOPMENT; RUBINSTEIN-TAYBI SYNDROME 1, INCOMPLETE; BROAD THUMB-HALLUX SYNDROME. Identifiers: Orphanet 353277, Orphanet 783, MedGen C4551859, MONDO:0008393, OMIM 180849.

gnomAD v4.1: 3 of 1,613,876 alleles (0.00019%); highest among the groups gnomAD compares: South Asian, 0.0033%; no homozygotes.

Submission:

Institute of Medical Genetics and Genomics, Sir Ganga Ram Hospital
Classification: Likely benign for Menke-Hennekam syndrome 1; Rubinstein-Taybi syndrome due to CREBBP mutations. Last evaluated: 2023-06-21. Review status: criteria provided, single submitter. Criteria: ACMG Guidelines, 2015. Collection method: clinical testing. Allele origin: germline. Inheritance: Autosomal dominant inheritance. Affected: no. Observed: 1 heterozygote.
Comment: This gene has autosomal dominant inheritance. This variant has not been found in gnomAD aggregate or ExAc. We classify this variant as likely benign for Menke-Hennekam syndrome 1 and Rubinstein Taybi syndrome 1

NM_004380.3(CREBBP):c.3659C>T (p.Thr1220Ile)

Gene: CREBBP (CREB binding lysine acetyltransferase; minus strand). Cytogenetic location: 16p13.3.
Variant type: single nucleotide variant.
Coding change: c.3659C>T on transcript NM_004380.3 (MANE Select); coding-DNA position 3659, C replaced by T.
Protein change: p.Thr1220Ile; replaces threonine 1220 with isoleucine.
Molecular consequence: missense variant.
Genome position (GRCh38, 1-based): chr16:3,757,327, G>A on the plus strand (C>T on the coding strand, the complement: CREBBP is on the minus strand). VCF-style: chr16-3757327-G-A. GRCh37 (hg19) VCF-style: chr16-3807328-G-A.
Other names: c.3545C>T, p.Thr1182Ile (NM_001079846.1); short protein forms T1182I, T1220I.
Identifiers: ClinVar variation 2506388 (VCV002506388.1), dbSNP rs2548390329, ClinGen allele CA394568407.